The following is an entry in ClinVar:

NM_001148.6(ANK2):c.10749C>A (p.Ser3583Arg)

Gene: ANK2 (ankyrin 2; plus strand). Cytogenetic location: 4q26.
Variant type: single nucleotide variant.
Coding change: c.10749C>A on transcript NM_001148.6 (MANE Select); coding-DNA position 10749, C replaced by A.
Protein change: p.Ser3583Arg; replaces serine 3583 with arginine.
Molecular consequence: missense variant.
Genome position (GRCh38, 1-based): chr4:113,360,890, C>A. VCF-style: chr4-113360890-C-A. GRCh37 (hg19) VCF-style: chr4-114282046-C-A.
Other names: c.4467C>A, p.Ser1489Arg (NM_001127493.3); c.4506C>A, p.Ser1502Arg (NM_001354225.2); c.4395C>A, p.Ser1465Arg (NM_001354228.2, NM_001354258.2); c.4473C>A, p.Ser1491Arg (NM_001354230.2); c.4536C>A, p.Ser1512Arg (NM_001354231.2, NM_001354242.2); c.4530C>A, p.Ser1510Arg (NM_001354232.2); c.4491C>A, p.Ser1497Arg (NM_001354235.2, NM_001354246.2, NM_001354265.2); c.4392C>A, p.Ser1464Arg (NM_001354236.2); and 35 more; short protein forms S1427R, S1432R, S1444R, S1476R, S1489R, S1497R, S1403R, S1481R.
Identifiers: ClinVar variation 660197 (VCV000660197.5), dbSNP rs1589100801, ClinGen allele CA357941130.

ClinVar aggregate classification (germline): Uncertain significance (1 of 4 stars; one submission).

Conditions:
Long QT syndrome (LQTS). Identifiers: MedGen C0023976, MeSH D008133, MONDO:0002442. Disease mechanism: loss of function. Inheritance: Various modes of inheritance.

Allele frequency attached by ClinVar (database versions not stated): gnomAD exomes below 0.00001.
gnomAD v4.1: 1 of 1,612,134 alleles (0.000062%); highest among the groups gnomAD compares: African/African-American, 0.0013%; no homozygotes.

Submission:

Labcorp Genetics (formerly Invitae), Labcorp
Classification: Uncertain significance for Long QT syndrome. Last evaluated: 2018-07-05. Review status: criteria provided, single submitter. Criteria: Invitae Variant Classification Sherloc (09022015). Collection method: clinical testing. Allele origin: germline.
Comment: This sequence change replaces serine with arginine at codon 3583 of the ANK2 protein (p.Ser3583Arg). The serine residue is highly conserved and there is a moderate physicochemical difference between serine and arginine. This variant is not present in population databases (ExAC no frequency). This variant has not been reported in the literature in individuals with ANK2-related disease. Algorithms developed to predict the effect of missense changes on protein structure and function are either unavailable or do not agree on the potential impact of this missense change (SIFT: "Deleterious"; PolyPhen-2: "Benign"; Align-GVGD: "Class C0"). In summary, the available evidence is currently insufficient to determine the role of this variant in disease. Therefore, it has been classified as a Variant of Uncertain Significance.